The following is an entry in ClinVar:

ClinVar aggregate classification (germline): Uncertain significance (1 of 4 stars; one submission).

Conditions:
Inborn genetic diseases. Identifiers: MedGen C0950123, MeSH D030342.

gnomAD v4.1: 3 of 1,609,690 alleles (0.00019%); highest among the groups gnomAD compares: Non-Finnish European, 0.00025%; no homozygotes.

Submission:

Ambry Genetics
Classification: Uncertain significance for Inborn genetic diseases. Last evaluated: 2025-02-27. Review status: criteria provided, single submitter. Criteria: Ambry Variant Classification Scheme 2023. Collection method: clinical testing. Allele origin: germline.
Comment: The p.D527E variant (also known as c.1581C>A), located in coding exon 9 of the PIK3CA gene, results from a C to A substitution at nucleotide position 1581. The aspartic acid at codon 527 is replaced by glutamic acid, an amino acid with highly similar properties. This amino acid position is conserved. In addition, the in silico prediction for this alteration is inconclusive. Based on the available evidence, the clinical significance of this variant remains unclear.

NM_006218.4(PIK3CA):c.1581C>A (p.Asp527Glu)

Gene: PIK3CA (phosphatidylinositol-4,5-bisphosphate 3-kinase catalytic subunit alpha; plus strand). Cytogenetic location: 3q26.32.
Variant type: single nucleotide variant.
Coding change: c.1581C>A on transcript NM_006218.4 (MANE Select); coding-DNA position 1581, C replaced by A.
Protein change: p.Asp527Glu; replaces aspartic acid 527 with glutamic acid.
Molecular consequence: missense variant.
Genome position (GRCh38, 1-based): chr3:179,218,251, C>A. VCF-style: chr3-179218251-C-A. GRCh37 (hg19) VCF-style: chr3-178936039-C-A.
Other names: short protein forms D527E.
Identifiers: ClinVar variation 3888930 (VCV003888930.1).
Genomic context (GRCh38, chr3:179,218,251, plus strand): 5'-ATATTATTTTATTTTACAGAGTAACAGACTAGCTAGAGACAATGAATTAAGGGAAAATGA[C>A]AAAGAACAGCTCAAAGCAATTTCTACACGAGATCCTCTCTCTGAAATCACTGAGCAGGAG-3'
Protein context (NP_006209.2, residues 517-537): LARDNELREN[Asp527Glu]KEQLKAISTR